The following is an entry in ClinVar:

ClinVar aggregate classification (germline): Uncertain significance. Review status: criteria provided, multiple submitters, no conflicts (2 of 4 stars). 3 submissions from 3 submitters: Uncertain significance (3). Last evaluated 2024-03-06.

Conditions:
Catecholaminergic polymorphic ventricular tachycardia (CVPT). Also called: Catecholamine-induced polymorphic ventricular tachycardia. Identifiers: Orphanet 3286, MedGen C5574922, MONDO:0017990.
Cardiomyopathy (CMYO). Also called: Cardiomyopathies. Identifiers: Orphanet 167848, MedGen C0878544, MONDO:0004994, HP:0001638. Inheritance: Various modes of inheritance.
Catecholaminergic polymorphic ventricular tachycardia 1. Also called: VENTRICULAR TACHYCARDIA, CATECHOLAMINERGIC POLYMORPHIC, 1, WITH OR WITHOUT ATRIAL DYSFUNCTION AND/OR DILATED CARDIOMYOPATHY; RYR2-Related Catecholaminergic Polymorphic Ventricular Tachycardia; VENTRICULAR TACHYCARDIA, STRESS-INDUCED POLYMORPHIC 1. Identifiers: Orphanet 3286, MedGen C1631597, MONDO:0011484, OMIM 604772.

Allele frequency attached by ClinVar (database versions not stated): gnomAD exomes below 0.00001.
gnomAD v4.1: 1 of 1,613,652 alleles (0.000062%); highest among the groups gnomAD compares: Non-Finnish European, 0.000085%; no homozygotes.

Submissions (3):

Color Diagnostics, LLC DBA Color Health
Classification: Uncertain significance for Cardiomyopathy. Last evaluated: 2024-03-06. Review status: criteria provided, single submitter. Criteria: ACMG Guidelines, 2015. Collection method: clinical testing. Allele origin: germline.
Comment: This missense variant replaces serine with asparagine at codon 2050 of the RYR2 protein. Computational prediction suggests that this variant may not impact protein structure and function (internally defined REVEL score threshold <= 0.5, PMID: 27666373). To our knowledge, functional studies have not been reported for this variant. This variant has not been reported in individuals affected with RYR2-related disorders in the literature. This variant has not been identified in the general population by the Genome Aggregation Database (gnomAD). The available evidence is insufficient to determine the role of this variant in disease conclusively. Therefore, this variant is classified as a Variant of Uncertain Significance.

All of Us Research Program, National Institutes of Health
Classification: Uncertain significance for Catecholaminergic polymorphic ventricular tachycardia. Last evaluated: 2023-08-15. Review status: criteria provided, single submitter. Criteria: ACMG Guidelines, 2015. Collection method: clinical testing. Allele origin: germline. Inheritance: Autosomal dominant inheritance. Observed: 1 variant allele, 1 heterozygote.
Comment: This missense variant replaces serine with asparagine at codon 2050 of the RYR2 protein. Computational prediction tool suggests that this variant may not impact protein structure and function (internally defined REVEL score threshold <=0.5, PMID: 27666373). Splice site prediction tools suggest that this variant may not impact RNA splicing. To our knowledge, functional studies have not been performed for this variant. This variant has not been reported in individuals affected with cardiovascular disorders in the literature. This variant has not been identified in the general population by the Genome Aggregation Database (gnomAD). The available evidence is insufficient to determine the role of this variant in disease conclusively. Therefore, this variant is classified as a Variant of Uncertain Significance.

This study involves interpretation of variants in research participants for the purpose of population health screening. Participant phenotype was not available at the time of variant classification. Additional details can be found in publication PMID: 35346344, PMCID: PMC8962531

Labcorp Genetics (formerly Invitae), Labcorp
Classification: Uncertain significance for Catecholaminergic polymorphic ventricular tachycardia 1. Last evaluated: 2022-09-28. Review status: criteria provided, single submitter. Criteria: Invitae Variant Classification Sherloc (09022015). Collection method: clinical testing. Allele origin: germline.
Comment: ClinVar contains an entry for this variant (Variation ID: 923349). This variant has not been reported in the literature in individuals affected with RYR2-related conditions. This variant is not present in population databases (gnomAD no frequency). This sequence change replaces serine, which is neutral and polar, with asparagine, which is neutral and polar, at codon 2050 of the RYR2 protein (p.Ser2050Asn). Advanced modeling of protein sequence and biophysical properties (such as structural, functional, and spatial information, amino acid conservation, physicochemical variation, residue mobility, and thermodynamic stability) performed at Invitae indicates that this missense variant is not expected to disrupt RYR2 protein function. In summary, the available evidence is currently insufficient to determine the role of this variant in disease. Therefore, it has been classified as a Variant of Uncertain Significance.

NM_001035.3(RYR2):c.6149G>A (p.Ser2050Asn)

Gene: RYR2 (ryanodine receptor 2; plus strand). Cytogenetic location: 1q43.
Variant type: single nucleotide variant.
Coding change: c.6149G>A on transcript NM_001035.3 (MANE Select); coding-DNA position 6149, G replaced by A.
Protein change: p.Ser2050Asn; replaces serine 2050 with asparagine.
Molecular consequence: missense variant.
Genome position (GRCh38, 1-based): chr1:237,625,787, G>A. VCF-style: chr1-237625787-G-A. GRCh37 (hg19) VCF-style: chr1-237789087-G-A.
Other names: short protein forms S2050N.
Identifiers: ClinVar variation 923349 (VCV000923349.7), dbSNP rs1679582199, ClinGen allele CA345409378.